The following is an entry in ClinVar:

NM_024529.5(CDC73):c.1021C>G (p.Pro341Ala)

Gene: CDC73 (cell division cycle 73; plus strand). Cytogenetic location: 1q31.2.
Variant type: single nucleotide variant.
Coding change: c.1021C>G on transcript NM_024529.5 (MANE Select); coding-DNA position 1021, C replaced by G.
Protein change: p.Pro341Ala; replaces proline 341 with alanine.
Molecular consequence: missense variant.
Genome position (GRCh38, 1-based): chr1:193,203,843, C>G. VCF-style: chr1-193203843-C-G. GRCh37 (hg19) VCF-style: chr1-193172973-C-G.
Other names: short protein forms P341A.
Identifiers: ClinVar variation 4868359 (VCV004868359.1).

ClinVar aggregate classification (germline): Uncertain significance (1 of 4 stars; one submission).

Conditions:
Hereditary cancer-predisposing syndrome. Also called: Neoplastic Syndromes, Hereditary; Tumor predisposition; Hereditary Cancer Syndrome; Hereditary neoplastic syndrome. Identifiers: Orphanet 140162, MedGen C0027672, MeSH D009386, MONDO:0015356.

Submission:

Ambry Genetics
Classification: Uncertain significance for Hereditary cancer-predisposing syndrome. Last evaluated: 2026-04-19. Review status: criteria provided, single submitter. Criteria: Ambry Variant Classification Scheme 2023. Collection method: clinical testing. Allele origin: germline.
Comment: The p.P341A variant (also known as c.1021C>G), located in coding exon 11 of the CDC73 gene, results from a C to G substitution at nucleotide position 1021. The proline at codon 341 is replaced by alanine, an amino acid with highly similar properties. This amino acid position is conserved. In addition, this alteration is predicted to be tolerated by in silico analysis. Based on the available evidence, the clinical significance of this variant remains unclear.